The following is an entry in ClinVar:

NM_002979.5(SCP2):c.1594G>T (p.Ala532Ser)

Gene: SCP2 (sterol carrier protein 2; plus strand). Cytogenetic location: 1p32.3.
Variant type: single nucleotide variant.
Coding change: c.1594G>T on transcript NM_002979.5 (MANE Select); coding-DNA position 1594, G replaced by T.
Protein change: p.Ala532Ser; replaces alanine 532 with serine.
Molecular consequence: missense variant. On other transcripts: 3 prime UTR variant (1).
Genome position (GRCh38, 1-based): chr1:53,050,654, G>T. VCF-style: chr1-53050654-G-T. GRCh37 (hg19) VCF-style: chr1-53516326-G-T.
Other names: c.382G>T, p.Ala128Ser (NM_001007099.3); c.373G>T, p.Ala125Ser (NM_001007100.3); c.*72G>T (NM_001007250.3); c.1522G>T, p.Ala508Ser (NM_001193599.2); c.1462G>T, p.Ala488Ser (NM_001193600.2); c.1351G>T, p.Ala451Ser (NM_001193617.2); short protein forms A125S, A128S, A451S, A488S, A508S, A532S.
Identifiers: ClinVar variation 4807210 (VCV004807210.1).
Genomic context (GRCh38, chr1:53,050,654, plus strand): 5'-CTTTCTTCTTCACAGGCCTTCTTTCAAGGCAAATTGAAAATCACTGGCAACATGGGTCTC[G>T]CTATGAAGTTACAAAATCTTCAGCTTCAGCCAGGCAACGCTAAGCTCTGAAGAACTCCCT-3'
Protein context (NP_002970.2, residues 522-542): KLKITGNMGL[Ala532Ser]MKLQNLQLQP

ClinVar aggregate classification (germline): Uncertain significance (1 of 4 stars; one submission).

gnomAD v4.1: 1 of 1,613,640 alleles (0.000062%); highest among the groups gnomAD compares: Non-Finnish European, 0.000085%; no homozygotes.

Submission:

Labcorp Genetics (formerly Invitae), Labcorp
Classification: Uncertain significance. Last evaluated: 2025-11-20. Review status: criteria provided, single submitter. Criteria: Invitae Variant Classification Sherloc (09022015). Collection method: clinical testing. Allele origin: germline.
Comment: This sequence change replaces alanine, which is neutral and non-polar, with serine, which is neutral and polar, at codon 532 of the SCP2 protein (p.Ala532Ser). This variant is not present in population databases (gnomAD no frequency). This variant has not been reported in the literature in individuals affected with SCP2-related conditions. An algorithm developed to predict the effect of missense changes on protein structure and function (PolyPhen-2) suggests that this variant is likely to be disruptive. In summary, the available evidence is currently insufficient to determine the role of this variant in disease. Therefore, it has been classified as a Variant of Uncertain Significance.